The following is an entry in ClinVar:

NM_002392.6(MDM2):c.226A>C (p.Lys76Gln)

Gene: MDM2 (MDM2 proto-oncogene; plus strand). Cytogenetic location: 12q15.
Variant type: single nucleotide variant.
Coding change: c.226A>C on transcript NM_002392.6 (MANE Select); coding-DNA position 226, A replaced by C.
Protein change: p.Lys76Gln; replaces lysine 76 with glutamine.
Molecular consequence: missense variant. On other transcripts: intron variant (2).
Genome position (GRCh38, 1-based): chr12:68,816,863, A>C. VCF-style: chr12-68816863-A-C. GRCh37 (hg19) VCF-style: chr12-69210643-A-C.
Other names: c.208A>C, p.Lys70Gln (NM_001145337.3, NM_001367990.1); c.226A>C, p.Lys76Gln (NM_001145339.2); c.156+3235A>C (NM_001278462.2, NM_001145340.3); short protein forms K70Q, K76Q.
Identifiers: ClinVar variation 1416821 (VCV001416821.8), dbSNP rs774100788, ClinGen allele CA6678599.
Genomic context (GRCh38, chr12:68,816,863, plus strand): 5'-GTATTTCAGGTTCTTTTTTATCTTGGCCAGTATATTATGACTAAACGATTATATGATGAG[A>C]AGCAACAACATATTGTATATTGTTCAAATGATCTTCTAGGAGATTTGTTTGGCGTGCCAA-3'
Protein context (NP_002383.2, residues 66-86): YIMTKRLYDE[Lys76Gln]QQHIVYCSND

ClinVar aggregate classification (germline): Uncertain significance (1 of 4 stars; one submission).

Conditions:
Accelerated tumor formation, susceptibility to (ACTFS). Identifiers: MedGen C3280690, OMIM 614401, MONDO:0013733.

Allele frequency attached by ClinVar (database versions not stated): gnomAD 0.00001; gnomAD exomes 0.00001 and 0.00002; ExAC 0.00002; TOPMed 0.00002.
gnomAD v4.1: 12 of 1,610,628 alleles (0.00075%); highest among the groups gnomAD compares: Non-Finnish European, 0.001%; no homozygotes.

Submission:

Labcorp Genetics (formerly Invitae), Labcorp
Classification: Uncertain significance for Accelerated tumor formation, susceptibility to. Last evaluated: 2022-10-24. Review status: criteria provided, single submitter. Criteria: Invitae Variant Classification Sherloc (09022015). Collection method: clinical testing. Allele origin: germline.
Comment: In summary, the available evidence is currently insufficient to determine the role of this variant in disease. Therefore, it has been classified as a Variant of Uncertain Significance. This sequence change replaces lysine, which is basic and polar, with glutamine, which is neutral and polar, at codon 76 of the MDM2 protein (p.Lys76Gln). This variant is present in population databases (rs774100788, gnomAD 0.004%). This variant has not been reported in the literature in individuals affected with MDM2-related conditions. ClinVar contains an entry for this variant (Variation ID: 1416821). Algorithms developed to predict the effect of missense changes on protein structure and function (SIFT, PolyPhen-2, Align-GVGD) all suggest that this variant is likely to be disruptive.